The following is an entry in ClinVar:

NM_025114.4(CEP290):c.1169A>G (p.Asn390Ser)

Gene: CEP290 (centrosomal protein 290; minus strand). Cytogenetic location: 12q21.32.
Variant type: single nucleotide variant.
Coding change: c.1169A>G on transcript NM_025114.4 (MANE Select); coding-DNA position 1169, A replaced by G.
Protein change: p.Asn390Ser; replaces asparagine 390 with serine.
Molecular consequence: missense variant.
Genome position (GRCh38, 1-based): chr12:88,125,266, T>C on the plus strand (A>G on the coding strand, the complement: CEP290 is on the minus strand). VCF-style: chr12-88125266-T-C. GRCh37 (hg19) VCF-style: chr12-88519043-T-C.
Other names: short protein forms N390S.
Identifiers: ClinVar variation 1380530 (VCV001380530.6), dbSNP rs891165640, ClinGen allele CA241154744.
Genomic context (GRCh38, chr12:88,125,266, plus strand): 5'-CATAATTGTATATAAAATAACTATATATTTATAAAAATACCTTTGTTTCTTTGGAGCTCA[T>C]TTTTCAAATCTTCAATAATACAAGTATTCTTTTCCATTTCTTTTGTATATTGTTCTACTT-3'
Protein context (NP_079390.3, residues 380-400): KNTCIIEDLK[Asn390Ser]ELQRNKGAST

ClinVar aggregate classification (germline): Uncertain significance. Review status: criteria provided, multiple submitters, no conflicts (2 of 4 stars). 2 submissions from 2 submitters: Uncertain significance (2). Last evaluated 2022-09-06.

Conditions:
Joubert syndrome. Also called: CEREBELLOPARENCHYMAL DISORDER IV; JOUBERT-BOLTSHAUSER SYNDROME; Familial aplasia of the vermis. Identifiers: Orphanet 475, MedGen C5979921, MONDO:0018772.
Nephronophthisis. Also called: Juvenile Nephronophthisis. Identifiers: Orphanet 655, MedGen C0687120, MONDO:0019005, HP:0000090.
Meckel-Gruber syndrome. Also called: DYSENCEPHALIA SPLANCHNOCYSTICA; GRUBER SYNDROME; Dysencephalia splachnocystica. Identifiers: Orphanet 564, MedGen C0265215, MONDO:0018921.
Senior-Loken syndrome 6 (SLSN6). Identifiers: Orphanet 3156, MedGen C1857779, MONDO:0012433, OMIM 610189.
Joubert syndrome 5 (JBTS5). Identifiers: Orphanet 2318, MedGen C1857780, MONDO:0012432, OMIM 610188.
Bardet-Biedl syndrome 14 (BBS14). Identifiers: Orphanet 110, MedGen C2673874, MONDO:0014442, OMIM 615991.
Leber congenital amaurosis 10 (LCA10). Identifiers: Orphanet 65, MedGen C1857821, MONDO:0012723, OMIM 611755.
Meckel syndrome, type 4 (MKS4). Also called: MECKEL-GRUBER SYNDROME, TYPE 4. Identifiers: Orphanet 564, MedGen C1970161, MONDO:0012626, OMIM 611134.

Allele frequency attached by ClinVar (database versions not stated): gnomAD 0.00001; TOPMed 0.00002.

Submissions (2):

Labcorp Genetics (formerly Invitae), Labcorp
Classification: Uncertain significance for Joubert syndrome; Meckel-Gruber syndrome; Nephronophthisis. Last evaluated: 2022-09-06. Review status: criteria provided, single submitter. Criteria: Invitae Variant Classification Sherloc (09022015). Collection method: clinical testing. Allele origin: germline.
Comment: This sequence change replaces asparagine, which is neutral and polar, with serine, which is neutral and polar, at codon 390 of the CEP290 protein (p.Asn390Ser). This variant is not present in population databases (gnomAD no frequency). This variant has not been reported in the literature in individuals affected with CEP290-related conditions. ClinVar contains an entry for this variant (Variation ID: 1380530). Algorithms developed to predict the effect of missense changes on protein structure and function output the following: SIFT: "Tolerated"; PolyPhen-2: "Benign"; Align-GVGD: "Class C0". The serine amino acid residue is found in multiple mammalian species, which suggests that this missense change does not adversely affect protein function. Algorithms developed to predict the effect of sequence changes on RNA splicing suggest that this variant may create or strengthen a splice site. In summary, the available evidence is currently insufficient to determine the role of this variant in disease. Therefore, it has been classified as a Variant of Uncertain Significance.

Fulgent Genetics
Classification: Uncertain significance for Joubert syndrome 5; Senior-Loken syndrome 6; Meckel syndrome, type 4; Leber congenital amaurosis 10; Bardet-Biedl syndrome 14. Last evaluated: 2022-05-12. Review status: criteria provided, single submitter. Criteria: ACMG Guidelines, 2015. Collection method: clinical testing. Allele origin: unknown.